The following is an entry in ClinVar:

NM_001267550.2(TTN):c.57242T>C (p.Ile19081Thr)

Genes: TTN (titin; minus strand), TTN-AS1 (TTN antisense RNA 1; plus strand). Cytogenetic location: 2q31.2.
Variant type: single nucleotide variant.
Coding change: c.57242T>C on transcript NM_001267550.2 (MANE Select); coding-DNA position 57242, T replaced by C.
Protein change: p.Ile19081Thr; replaces isoleucine 19081 with threonine.
Molecular consequence: missense variant.
Genome position (GRCh38, 1-based): chr2:178,597,928, A>G on the plus strand (T>C on the coding strand, the complement: TTN is on the minus strand). VCF-style: chr2-178597928-A-G. GRCh37 (hg19) VCF-style: chr2-179462655-A-G.
Other names: c.52319T>C, p.Ile17440Thr (NM_001256850.1); c.30047T>C, p.Ile10016Thr (NM_003319.4); c.49538T>C, p.Ile16513Thr (NM_133378.4); c.30422T>C, p.Ile10141Thr (NM_133432.3); c.30623T>C, p.Ile10208Thr (NM_133437.4); short protein forms I16513T, I19081T, I17440T, I10016T, I10208T, I10141T.
Identifiers: ClinVar variation 191937 (VCV000191937.35), dbSNP rs78509062, ClinGen allele CA237918.

ClinVar aggregate classification (germline): Conflicting classifications of pathogenicity. Review status: criteria provided, conflicting classifications (1 of 4 stars). 8 submissions from 8 submitters: Uncertain significance (7); Likely benign (1). Last evaluated 2025-05-28.

Conditions:
TTN-related disorder. Also called: TTN-related condition; TTN-related disease; TTN-related disorders.
Dilated cardiomyopathy 1G (CMD1G). Identifiers: Orphanet 154, MedGen C1858763, MONDO:0011400, OMIM 604145.
Autosomal recessive limb-girdle muscular dystrophy type 2J (LGMDR10). Also called: Limb-girdle muscular dystrophy, type 2J; MUSCULAR DYSTROPHY, LIMB-GIRDLE, AUTOSOMAL RECESSIVE 10. Identifiers: Orphanet 140922, MedGen C1837342, MONDO:0012127, OMIM 608807.
Hypertrophic cardiomyopathy 9. Also called: Familial hypertrophic cardiomyopathy 9. Identifiers: MedGen C1861065, MONDO:0013412, OMIM 613765.

Allele frequency attached by ClinVar (database versions not stated): gnomAD exomes 0.00008 and 0.00016; TOPMed 0.00011; ExAC 0.00012; gnomAD 0.00012 and 0.00015; 1000 Genomes Project 30x 0.00016; 1000 Genomes Project 0.00020; ESP Exome Variant Server 0.00025.
gnomAD v4.1: 264 of 1,613,320 alleles (0.016%); highest among the groups gnomAD compares: East Asian, 0.036%; no homozygotes.

Submissions (8):

PreventionGenetics, part of Exact Sciences
Classification: Uncertain significance for TTN-related condition. Last evaluated: 2025-05-28. Review status: criteria provided, single submitter. Criteria: ACMG Guidelines, 2015. Collection method: clinical testing. Allele origin: germline.
Comment: The TTN c.57242T>C variant is predicted to result in the amino acid substitution p.Ile19081Thr. To our knowledge, this variant has not been reported in the literature. This variant is reported in 0.026% of alleles in individuals of East Asian descent in gnomAD. Although we suspect that this variant may be benign, at this time, the clinical significance of this variant is uncertain due to the absence of conclusive functional and genetic evidence.

Women's Health and Genetics/Laboratory Corporation of America, LabCorp
Classification: Uncertain significance. Last evaluated: 2025-02-03. Review status: criteria provided, single submitter. Criteria: LabCorp Variant Classification Summary - May 2015. Collection method: clinical testing. Allele origin: germline.
Comment: Variant summary: TTN c.49538T>C (p.Ile16513Thr) results in a non-conservative amino acid change in the encoded protein sequence. Three of four in-silico tools predict a damaging effect of the variant on protein function. The variant allele was found at a frequency of 8e-05 in 248496 control chromosomes. This frequency is not significantly higher than estimated for a pathogenic variant in TTN causing Autosomal Recessive Titinopathy (8e-05 vs 0.00039), allowing no conclusion about variant significance. To our knowledge, no occurrence of c.49538T>C in individuals affected with Autosomal Recessive Titinopathy and no experimental evidence demonstrating its impact on protein function have been reported. ClinVar contains an entry for this variant (Variation ID: 191937). Based on the evidence outlined above, the variant was classified as uncertain significance.

CeGaT Center for Human Genetics Tuebingen
Classification: Uncertain significance. Last evaluated: 2024-02-01. Review status: criteria provided, single submitter. Criteria: CeGaT Center For Human Genetics Tuebingen Variant Classification Criteria Version 2. Collection method: clinical testing. Allele origin: germline. Affected: yes. Observed: 4 variant alleles.
Comment: TTN: PM2

New York Genome Center
Classification: Uncertain significance for Hypertrophic cardiomyopathy 9; Dilated cardiomyopathy 1G. Last evaluated: 2023-08-23. Review status: criteria provided, single submitter. Criteria: NYGC Assertion Criteria 2020. Collection method: clinical testing. Allele origin: germline. Observed: 1 heterozygote.

GeneDx
Classification: Likely benign. Last evaluated: 2020-02-10. Review status: criteria provided, single submitter. Criteria: GeneDx Variant Classification Process June 2021. Collection method: clinical testing. Allele origin: germline. Affected: yes.
Comment: This variant is associated with the following publications: (PMID: 23861362)

Eurofins Ntd Llc (ga)
Classification: Uncertain significance. Last evaluated: 2018-08-23. Review status: criteria provided, single submitter. Criteria: EGL ClinVar v180209 classification definitions. Collection method: clinical testing. Allele origin: germline. Observed: 2 variant alleles, 2 heterozygotes.

Labcorp Genetics (formerly Invitae), Labcorp
Classification: Uncertain significance for Dilated cardiomyopathy 1G; Autosomal recessive limb-girdle muscular dystrophy type 2J. Last evaluated: 2017-07-05. Review status: criteria provided, single submitter. Criteria: Invitae Variant Classification Sherloc (09022015). Collection method: clinical testing. Allele origin: germline.

Biesecker Lab/Clinical Genomics Section, National Institutes of Health
Classification: Uncertain significance. Last evaluated: 2013-06-24. Review status: criteria provided, single submitter. Criteria: Ng et al. (Circ Cardiovasc Genet. 2013). Collection method: research. Allele origin: unknown. Observed: 1 variant allele. Study: ClinSeq.
Comment: The study set was not selected for affection status in relation to any cancer. Pathogenicity categories were based on literature curation. See Pubmed ID:23861362 for details.

Medical sequencing